The following is an entry in ClinVar:

NM_133379.5(TTN):c.11638A>G (p.Ser3880Gly)

Gene: TTN (titin; minus strand). Cytogenetic location: 2q31.2.
Variant type: single nucleotide variant.
Coding change: c.11638A>G on transcript NM_133379.5; coding-DNA position 11638, A replaced by G.
Protein change: p.Ser3880Gly; replaces serine 3880 with glycine.
Molecular consequence: missense variant. On other transcripts: intron variant (6).
Genome position (GRCh38, 1-based): chr2:178,750,762, T>C on the plus strand (A>G on the coding strand, the complement: TTN is on the minus strand). VCF-style: chr2-178750762-T-C. GRCh37 (hg19) VCF-style: chr2-179615489-T-C.
Other names: c.10222+2362A>G (NM_003319.4); c.10798+2362A>G (NM_133437.4); c.10597+2362A>G (NM_133432.3); c.10360+2362A>G (NM_133378.4, NM_001256850.1); c.11311+2362A>G (NM_001267550.2); short protein forms S3880G.
Identifiers: ClinVar variation 166276 (VCV000166276.5), dbSNP rs542259495, ClinGen allele CA179145.
Genomic context (GRCh38, chr2:178,750,762, plus strand): 5'-TTCTTTCACTAGCTATTTCTTCACTTTCTTCAACATTTACAAGTGTACCAAAAGATTCGC[T>C]GGCATGTGGTGTAATAGCTTGAGACACATTTTCAGGAGTCTCATATACTTCCTCCTTCTC-3'

ClinVar aggregate classification (germline): Uncertain significance (1 of 4 stars; one submission).

Allele frequency attached by ClinVar (database versions not stated): gnomAD below 0.00001 and 0.00006; TOPMed below 0.00001; gnomAD exomes 0.00008 and 0.00019; ExAC 0.00022; 1000 Genomes Project 30x 0.00031; 1000 Genomes Project 0.00040.
gnomAD v4.1: 133 of 1,613,068 alleles (0.0082%); highest among the groups gnomAD compares: South Asian, 0.14%; no homozygotes.

Submission:

Laboratory for Molecular Medicine, Mass General Brigham Personalized Medicine
Classification: Uncertain significance. Last evaluated: 2013-07-18. Review status: criteria provided, single submitter. Criteria: LMM Criteria. Collection method: clinical testing. Allele origin: germline. Observed: 1 variant allele.
Comment: The Ser3880Gly variant in TTN has not been reported in individuals with cardiomy opathy or in large population studies. Computational analyses are limited or una vailable for this variant. Additional information is needed to fully assess the clinical significance of this variant.